The following is an entry in ClinVar:

ClinVar aggregate classification (germline): Conflicting classifications of pathogenicity. Review status: criteria provided, conflicting classifications (1 of 4 stars). 4 submissions from 4 submitters: Likely pathogenic (2); Uncertain significance (1). 1 of the submissions does not count toward it. Last evaluated 2025-08-04.

Conditions:
Tuberous sclerosis 1 (TSC1). Identifiers: Orphanet 805, MedGen C1854465, MONDO:0008612, OMIM 191100.
Tuberous sclerosis syndrome (TSC). Also called: Tuberous Sclerosis Complex; Tuberous sclerosis. Identifiers: Orphanet 805, MedGen C0041341, MONDO:0001734.

Submissions (4):

Labcorp Genetics (formerly Invitae), Labcorp
Classification: Uncertain significance for Tuberous sclerosis 1. Last evaluated: 2025-08-04. Review status: criteria provided, single submitter. Criteria: Invitae Variant Classification Sherloc (09022015). Collection method: clinical testing. Allele origin: germline.
Comment: This sequence change replaces phenylalanine, which is neutral and non-polar, with serine, which is neutral and polar, at codon 158 of the TSC1 protein (p.Phe158Ser). This variant is not present in population databases (gnomAD no frequency). This missense change has been observed in individual(s) with clinical features of tuberous sclerosis complex (PMID: 22161988; internal data). ClinVar contains an entry for this variant (Variation ID: 64837). Invitae Evidence Modeling of protein sequence and biophysical properties (such as structural, functional, and spatial information, amino acid conservation, physicochemical variation, residue mobility, and thermodynamic stability) indicates that this missense variant is expected to disrupt TSC1 protein function with a positive predictive value of 80%. Experimental studies have shown that this missense change affects TSC1 function (PMID: 22161988). In summary, the available evidence is currently insufficient to determine the role of this variant in disease. Therefore, it has been classified as a Variant of Uncertain Significance.

Mayo Clinic Laboratories, Mayo Clinic
Classification: Likely pathogenic. Last evaluated: 2023-04-18. Review status: criteria provided, single submitter. Criteria: ACMG Guidelines, 2015. Collection method: clinical testing. Allele origin: germline. Observed: 2 variant alleles.
Comment: PP3, PP4, PM2, PS3

Athena Diagnostics
Classification: Likely pathogenic. Last evaluated: 2022-12-27. Review status: criteria provided, single submitter. Criteria: Athena Diagnostics Criteria. Collection method: clinical testing. Allele origin: unknown.
Comment: This variant has been identified in at least one individual with clinical features associated with this gene. This variant has not been reported in large, multi-ethnic general populations. Assessment of experimental evidence suggests this variant results in abnormal protein function. (PMID: 22161988)

Tuberous sclerosis database (TSC1)
No classification provided. Condition: TSC. Review status: no classification provided. Criteria: Tuberous Sclerosis Database Assertion Criteria 2015. Collection method: curation. Allele origin: germline. Affected: yes. Not counted in ClinVar's aggregate classification.

Literature cited by the submitters: PubMed 22161988 (cited by 3 submitters); PubMed 23857276 (cited by Mayo Clinic Laboratories, Mayo Clinic and Athena Diagnostics); PubMed 25684150 (cited by Athena Diagnostics).

NM_000368.5(TSC1):c.473T>C (p.Phe158Ser)

Gene: TSC1 (TSC complex subunit 1; minus strand). Cytogenetic location: 9q34.13.
Variant type: single nucleotide variant.
Coding change: c.473T>C on transcript NM_000368.5 (MANE Select); coding-DNA position 473, T replaced by C.
Protein change: p.Phe158Ser; replaces phenylalanine 158 with serine.
Molecular consequence: missense variant.
Genome position (GRCh38, 1-based): chr9:132,923,383, A>G on the plus strand (T>C on the coding strand, the complement: TSC1 is on the minus strand). VCF-style: chr9-132923383-A-G. GRCh37 (hg19) VCF-style: chr9-135798770-A-G.
Other names: c.473T>C, p.Phe158Ser (NM_001162426.2); c.320T>C, p.Phe107Ser (NM_001162427.2); c.110T>C, p.Phe37Ser (NM_001362177.2); short protein forms F158S, F107S, F37S.
Identifiers: ClinVar variation 64837 (VCV000064837.8), dbSNP rs118203385, ClinGen allele CA007609.